The following is an entry in ClinVar:

NM_181882.3(PRX):c.4343C>T (p.Pro1448Leu)

Gene: PRX (periaxin; minus strand). Cytogenetic location: 19q13.2.
Variant type: single nucleotide variant.
Coding change: c.4343C>T on transcript NM_181882.3 (MANE Select); coding-DNA position 4343, C replaced by T.
Protein change: p.Pro1448Leu; replaces proline 1448 with leucine.
Molecular consequence: missense variant. On other transcripts: 3 prime UTR variant (1).
Genome position (GRCh38, 1-based): chr19:40,394,009, G>A on the plus strand (C>T on the coding strand, the complement: PRX is on the minus strand). VCF-style: chr19-40394009-G-A. GRCh37 (hg19) VCF-style: chr19-40899916-G-A.
Other names: c.4628C>T, p.Pro1543Leu (NM_001411127.1); c.*4548C>T (NM_020956.2); short protein forms P1543L, P1448L.
Identifiers: ClinVar variation 2202274 (VCV002202274.1), dbSNP rs143125201, ClinGen allele CA9443630.

ClinVar aggregate classification (germline): Uncertain significance (1 of 4 stars; one submission).

Conditions:
Charcot-Marie-Tooth disease type 4. Also called: Charcot-Marie-Tooth, Type 4; Charcot-Marie-Tooth disease, type IV. Identifiers: Orphanet 64749, MedGen C4082197, MONDO:0018995.

Allele frequency attached by ClinVar (database versions not stated): TOPMed below 0.00001; ExAC 0.00001; gnomAD 0.00001; gnomAD exomes 0.00001; ESP Exome Variant Server 0.00008.
gnomAD v4.1: 15 of 1,613,422 alleles (0.00093%); highest among the groups gnomAD compares: Non-Finnish European, 0.0013%; no homozygotes.

Submission:

Labcorp Genetics (formerly Invitae), Labcorp
Classification: Uncertain significance for Charcot-Marie-Tooth disease type 4. Last evaluated: 2022-02-07. Review status: criteria provided, single submitter. Criteria: Invitae Variant Classification Sherloc (09022015). Collection method: clinical testing. Allele origin: germline.
Comment: This sequence change replaces proline, which is neutral and non-polar, with leucine, which is neutral and non-polar, at codon 1448 of the PRX protein (p.Pro1448Leu). This variant is present in population databases (rs143125201, gnomAD 0.0009%). This variant has not been reported in the literature in individuals affected with PRX-related conditions. Algorithms developed to predict the effect of missense changes on protein structure and function are either unavailable or do not agree on the potential impact of this missense change (SIFT: "Tolerated"; PolyPhen-2: "Possibly Damaging"; Align-GVGD: "Class C0"). In summary, the available evidence is currently insufficient to determine the role of this variant in disease. Therefore, it has been classified as a Variant of Uncertain Significance.